The following is an entry in ClinVar:

ClinVar aggregate classification (germline): Uncertain significance. Review status: criteria provided, multiple submitters, no conflicts (2 of 4 stars). 4 submissions from 4 submitters: Uncertain significance (4). Last evaluated 2026-02-01.

Conditions:
Aortic aneurysm, familial thoracic 7 (AAT7). Also called: AORTIC DISSECTION, FAMILIAL, WITH OR WITHOUT AORTIC ANEURYSM. Identifiers: MedGen C3151077, MONDO:0013418, OMIM 613780.
Megacystis-microcolon-intestinal hypoperistalsis syndrome 1. Identifiers: MedGen C5542316, MONDO:0100354, OMIM 249210.
Congenital aneurysm of ascending aorta (AAT1). Also called: Familial thoracic aortic aneurysm; AORTIC ANEURYSM, FAMILIAL THORACIC 1; ANNULOAORTIC ECTASIA; Aortic aneurysm, thoracic. Identifiers: Orphanet 229, MedGen C0345050, MONDO:0024559, OMIM 607086.
Familial thoracic aortic aneurysm and aortic dissection (TAAD). Also called: Thoracic aortic aneurysms and dissections. Identifiers: Orphanet 91387, MedGen C4707243, MONDO:0019625.

Allele frequency attached by ClinVar (database versions not stated): gnomAD 0.00003 and 0.00010; TOPMed 0.00006.
gnomAD v4.1: 12 of 1,613,964 alleles (0.00074%); highest among the groups gnomAD compares: East Asian, 0.022%; no homozygotes.

Submissions (4):

Labcorp Genetics (formerly Invitae), Labcorp
Classification: Uncertain significance for Aortic aneurysm, familial thoracic 7. Last evaluated: 2026-02-01. Review status: criteria provided, single submitter. Criteria: Invitae Variant Classification Sherloc (09022015). Collection method: clinical testing. Allele origin: germline.
Comment: This sequence change replaces proline, which is neutral and non-polar, with arginine, which is basic and polar, at codon 652 of the MYLK protein (p.Pro652Arg). This variant is present in population databases (rs761892127, gnomAD 0.05%). This missense change has been observed in individual(s) with clinical features of MYLK-related conditions (PMID: 38958168). ClinVar contains an entry for this variant (Variation ID: 496662). Invitae Evidence Modeling of protein sequence and biophysical properties (such as structural, functional, and spatial information, amino acid conservation, physicochemical variation, residue mobility, and thermodynamic stability) indicates that this missense variant is not expected to disrupt MYLK protein function with a negative predictive value of 80%. In summary, the available evidence is currently insufficient to determine the role of this variant in disease. Therefore, it has been classified as a Variant of Uncertain Significance.

Ambry Genetics
Classification: Uncertain significance for Familial thoracic aortic aneurysm and aortic dissection. Last evaluated: 2023-12-21. Review status: criteria provided, single submitter. Criteria: Ambry Variant Classification Scheme 2023. Collection method: clinical testing. Allele origin: germline.
Comment: The p.P652R variant (also known as c.1955C>G), located in coding exon 12 of the MYLK gene, results from a C to G substitution at nucleotide position 1955. The proline at codon 652 is replaced by arginine, an amino acid with dissimilar properties. This amino acid position is conserved. In addition, the in silico prediction for this alteration is inconclusive. Since supporting evidence is limited at this time, the clinical significance of this alteration remains unclear.

Fulgent Genetics
Classification: Uncertain significance for Megacystis-microcolon-intestinal hypoperistalsis syndrome 1; Aortic aneurysm, familial thoracic 7. Last evaluated: 2021-07-26. Review status: criteria provided, single submitter. Criteria: ACMG Guidelines, 2015. Collection method: clinical testing. Allele origin: unknown.

CSER _CC_NCGL, University of Washington
Classification: Uncertain significance for Familial thoracic aortic aneurysm. Last evaluated: 2016-10-01. Review status: criteria provided, single submitter. Criteria: Amendola et al. (Genome Res. 2015). Collection method: research. Allele origin: germline. Affected: no. Study: CSER - NEXT Medicine variant annotation.
Comment: No known history of familial thoracic aortic aneurysm. This interpretation considers GERP score and allele frequency data, in addition to published reports of the variant in the literature, available at the time of review.

Literature cited by the submitters: PubMed 38958168 (cited by Labcorp Genetics (formerly Invitae), Labcorp).

NM_053025.4(MYLK):c.1955C>G (p.Pro652Arg)

Gene: MYLK (myosin light chain kinase; minus strand). Cytogenetic location: 3q21.1.
Variant type: single nucleotide variant.
Coding change: c.1955C>G on transcript NM_053025.4 (MANE Select); coding-DNA position 1955, C replaced by G.
Protein change: p.Pro652Arg; replaces proline 652 with arginine.
Molecular consequence: missense variant.
Genome position (GRCh38, 1-based): chr3:123,708,883, G>C on the plus strand (C>G on the coding strand, the complement: MYLK is on the minus strand). VCF-style: chr3-123708883-G-C. GRCh37 (hg19) VCF-style: chr3-123427730-G-C.
Other names: c.1427C>G, p.Pro476Arg (NM_001321309.2); c.1748C>G, p.Pro583Arg (NM_053026.4, NM_053028.4); c.1955C>G, p.Pro652Arg (NM_053027.4); short protein forms P652R, P583R, P476R.
Identifiers: ClinVar variation 496662 (VCV000496662.8), dbSNP rs761892127, ClinGen allele CA067889.